The following is an entry in ClinVar:

ClinVar aggregate classification (germline): Conflicting classifications of pathogenicity. Review status: criteria provided, conflicting classifications (1 of 4 stars). 4 submissions from 4 submitters: Uncertain significance (3); Likely benign (1). Last evaluated 2025-08-24.

Conditions:
Hereditary nonpolyposis colorectal neoplasms. Identifiers: MedGen C0009405, MeSH D003123.
Hereditary cancer-predisposing syndrome. Also called: Neoplastic Syndromes, Hereditary; Hereditary Cancer Syndrome; Tumor predisposition; Hereditary neoplastic syndrome. Identifiers: Orphanet 140162, MedGen C0027672, MeSH D009386, MONDO:0015356.

Allele frequency attached by ClinVar (database versions not stated): gnomAD exomes below 0.00001; TOPMed below 0.00001.

Submissions (4):

Labcorp Genetics (formerly Invitae), Labcorp
Classification: Likely benign for Hereditary nonpolyposis colorectal neoplasms. Last evaluated: 2025-08-24. Review status: criteria provided, single submitter. Criteria: Invitae Variant Classification Sherloc (09022015). Collection method: clinical testing. Allele origin: germline.

Ambry Genetics
Classification: Uncertain significance for Hereditary cancer-predisposing syndrome. Last evaluated: 2024-05-23. Review status: criteria provided, single submitter. Criteria: Ambry Variant Classification Scheme 2023. Collection method: clinical testing. Allele origin: germline.
Comment: The p.K896I variant (also known as c.2687A>T), located in coding exon 4 of the MSH6 gene, results from an A to T substitution at nucleotide position 2687. The lysine at codon 896 is replaced by isoleucine, an amino acid with dissimilar properties. This amino acid position is not well conserved in available vertebrate species. In addition, the in silico prediction for this alteration is inconclusive. Since supporting evidence is limited at this time, the clinical significance of this alteration remains unclear.

Color Diagnostics, LLC DBA Color Health
Classification: Uncertain significance for Hereditary cancer-predisposing syndrome. Last evaluated: 2024-03-06. Review status: criteria provided, single submitter. Criteria: ACMG Guidelines, 2015. Collection method: clinical testing. Allele origin: germline.
Comment: This missense variant replaces lysine with isoleucine at codon 896 of the MSH6 protein. Computational prediction is inconclusive regarding the impact of this variant on protein structure and function (internally defined REVEL score threshold 0.5 < inconclusive < 0.7, PMID: 27666373). Splice site prediction tools suggest that this variant may not impact RNA splicing. To our knowledge, functional studies have not been performed for this variant. This variant has not been reported in individuals affected with hereditary cancer in the literature. This variant has been identified in 1/250602 chromosomes in the general population by the Genome Aggregation Database (gnomAD). The available evidence is insufficient to determine the role of this variant in disease conclusively. Therefore, this variant is classified as a Variant of Uncertain Significance.

CeGaT Center for Human Genetics Tuebingen
Classification: Uncertain significance. Last evaluated: 2023-05-01. Review status: criteria provided, single submitter. Criteria: CeGaT Center For Human Genetics Tuebingen Variant Classification Criteria Version 2. Collection method: clinical testing. Allele origin: germline. Affected: yes. Observed: 1 variant allele.

NM_000179.3(MSH6):c.2687A>T (p.Lys896Ile)

Gene: MSH6 (mutS homolog 6; plus strand). Cytogenetic location: 2p16.3.
Variant type: single nucleotide variant.
Coding change: c.2687A>T on transcript NM_000179.3 (MANE Select); coding-DNA position 2687, A replaced by T.
Protein change: p.Lys896Ile; replaces lysine 896 with isoleucine.
Molecular consequence: missense variant.
Genome position (GRCh38, 1-based): chr2:47,800,670, A>T. VCF-style: chr2-47800670-A-T. GRCh37 (hg19) VCF-style: chr2-48027809-A-T.
Other names: c.2297A>T, p.Lys766Ile (NM_001281492.2); c.1781A>T, p.Lys594Ile (NM_001281493.2, NM_001281494.2); short protein forms K896I, K766I, K594I.
Identifiers: ClinVar variation 230072 (VCV000230072.48), dbSNP rs876658369, ClinGen allele CA10578113.